The following is an entry in ClinVar:

NM_001040108.2(MLH3):c.2299C>T (p.Pro767Ser)

Gene: MLH3 (mutL homolog 3; minus strand). Cytogenetic location: 14q24.3.
Variant type: single nucleotide variant.
Coding change: c.2299C>T on transcript NM_001040108.2 (MANE Select); coding-DNA position 2299, C replaced by T.
Protein change: p.Pro767Ser; replaces proline 767 with serine.
Molecular consequence: missense variant.
Genome position (GRCh38, 1-based): chr14:75,047,357, G>A on the plus strand (C>T on the coding strand, the complement: MLH3 is on the minus strand). VCF-style: chr14-75047357-G-A. GRCh37 (hg19) VCF-style: chr14-75514060-G-A.
Other names: c.2299C>T, p.Pro767Ser (NM_014381.3); short protein forms P767S.
Identifiers: ClinVar variation 1319786 (VCV001319786.5), dbSNP rs2139565569, ClinGen allele CA390441002.

ClinVar aggregate classification (germline): Uncertain significance. Review status: criteria provided, multiple submitters, no conflicts (2 of 4 stars). 2 submissions from 2 submitters: Uncertain significance (2). Last evaluated 2021-12-30.

Submissions (2):

Ambry Genetics
Classification: Uncertain significance. Last evaluated: 2021-12-30. Review status: criteria provided, single submitter. Criteria: Ambry Variant Classification Scheme 2023. Collection method: clinical testing. Allele origin: germline.
Comment: The p.P767S variant (also known as c.2299C>T), located in coding exon 1 of the MLH3 gene, results from a C to T substitution at nucleotide position 2299. The proline at codon 767 is replaced by serine, an amino acid with similar properties. This amino acid position is not well conserved in available vertebrate species. In addition, this alteration is predicted to be tolerated by in silico analysis. The evidence for this gene-disease relationship is limited; therefore, the clinical significance of this alteration is unclear.

Institute for Clinical Genetics, University Hospital TU Dresden, University Hospital TU Dresden
Classification: Uncertain significance. Last evaluated: 2021-11-03. Review status: criteria provided, single submitter. Criteria: ACMG Guidelines, 2015. Collection method: clinical testing. Allele origin: germline.